The following is an entry in ClinVar:

ClinVar aggregate classification (germline): Uncertain significance. Review status: criteria provided, multiple submitters, no conflicts (2 of 4 stars). 3 submissions from 3 submitters: Uncertain significance (3). Last evaluated 2023-12-21.

Conditions:
Familial sleep-related hypermotor epilepsy. Also called: Autosomal Dominant Sleep-Related Hypermotor (Hyperkinetic) Epilepsy. Identifiers: Orphanet 98784, MedGen C3696898, MONDO:0000030.
Inborn genetic diseases. Identifiers: MedGen C0950123, MeSH D030342.

Allele frequency attached by ClinVar (database versions not stated): gnomAD exomes below 0.00001.
gnomAD v4.1: 2 of 1,614,178 alleles (0.00012%); highest among the groups gnomAD compares: Admixed American, 0.0017%; no homozygotes.

Submissions (3):

Labcorp Genetics (formerly Invitae), Labcorp
Classification: Uncertain significance. Last evaluated: 2023-12-21. Review status: criteria provided, single submitter. Criteria: Invitae Variant Classification Sherloc (09022015). Collection method: clinical testing. Allele origin: germline.
Comment: This sequence change replaces leucine, which is neutral and non-polar, with proline, which is neutral and non-polar, at codon 461 of the CHRNB2 protein (p.Leu461Pro). This variant is not present in population databases (gnomAD no frequency). This variant has not been reported in the literature in individuals affected with CHRNB2-related conditions. ClinVar contains an entry for this variant (Variation ID: 1304659). Advanced modeling of protein sequence and biophysical properties (such as structural, functional, and spatial information, amino acid conservation, physicochemical variation, residue mobility, and thermodynamic stability) performed at Invitae indicates that this missense variant is expected to disrupt CHRNB2 protein function with a positive predictive value of 80%. In summary, the available evidence is currently insufficient to determine the role of this variant in disease. Therefore, it has been classified as a Variant of Uncertain Significance.

GeneDx
Classification: Uncertain significance. Last evaluated: 2023-03-24. Review status: criteria provided, single submitter. Criteria: GeneDx Variant Classification Process June 2021. Collection method: clinical testing. Allele origin: germline. Affected: yes.
Comment: Not observed at significant frequency in large population cohorts (gnomAD); In silico analysis supports that this missense variant has a deleterious effect on protein structure/function; Has not been previously published as pathogenic or benign to our knowledge

Ambry Genetics
Classification: Uncertain significance for Inborn genetic diseases. Last evaluated: 2022-03-29. Review status: criteria provided, single submitter. Criteria: Ambry Variant Classification Scheme 2023. Collection method: clinical testing. Allele origin: germline.

NM_000748.3(CHRNB2):c.1382T>C (p.Leu461Pro)

Gene: CHRNB2 (cholinergic receptor nicotinic beta 2 subunit; plus strand). Cytogenetic location: 1q21.3.
Variant type: single nucleotide variant.
Coding change: c.1382T>C on transcript NM_000748.3 (MANE Select); coding-DNA position 1382, T replaced by C.
Protein change: p.Leu461Pro; replaces leucine 461 with proline.
Molecular consequence: missense variant.
Genome position (GRCh38, 1-based): chr1:154,575,805, T>C. VCF-style: chr1-154575805-T-C. GRCh37 (hg19) VCF-style: chr1-154548281-T-C.
Other names: short protein forms L461P.
Identifiers: ClinVar variation 1304659 (VCV001304659.8), dbSNP rs1696261435, ClinGen allele CA342632802.